The following is an entry in ClinVar:

ClinVar aggregate classification (germline): Likely benign (1 of 4 stars; one submission).

Submission:

CeGaT Center for Human Genetics Tuebingen
Classification: Likely benign. Last evaluated: 2026-09-01. Review status: criteria provided, single submitter. Criteria: CeGaT Center For Human Genetics Tuebingen Variant Classification Criteria Version 2. Collection method: clinical testing. Allele origin: germline. Affected: yes. Observed: 2 variant alleles.
Comment: POTEJ: BP4, BP7

NM_001277083.2(POTEJ):c.1305C>T (p.Cys435=)

Gene: POTEJ (POTE ankyrin domain family member J; plus strand). Cytogenetic location: 2q21.1.
Variant type: single nucleotide variant.
Coding change: c.1305C>T on transcript NM_001277083.2 (MANE Select); coding-DNA position 1305, C replaced by T.
Protein change: p.Cys435=; no amino-acid change (cysteine 435 retained).
Molecular consequence: synonymous variant.
Genome position (GRCh38, 1-based): chr2:130,638,625, C>T. VCF-style: chr2-130638625-C-T. GRCh37 (hg19) VCF-style: chr2-131396198-C-T.
Identifiers: ClinVar variation 4083684 (VCV004083684.8).
Genomic context (GRCh38, chr2:130,638,625, plus strand): 5'-TTCCAGATCAGTATTTTAAAACAGTAATTTTATTTGTTATATTTTTATACATAGAATTTG[C>T]GAATTAGTTTCTGACTACAAAGAAAAACAGATGCCAAAATACTCTTCTGAAAACAGCAAC-3'
Protein context (NP_001264012.1, residues 425-445): DNESEEYHRI[Cys435=]ELVSDYKEKQ